The following is an entry in ClinVar:

ClinVar aggregate classification (germline): Uncertain significance. Review status: criteria provided, multiple submitters, no conflicts (2 of 4 stars). 2 submissions from 2 submitters: Uncertain significance (2). Last evaluated 2024-12-12.

Conditions:
Inborn genetic diseases. Identifiers: MedGen C0950123, MeSH D030342.

Allele frequency attached by ClinVar (database versions not stated): gnomAD exomes 0.00001.
gnomAD v4.1: 8 of 1,304,470 alleles (0.00061%); highest among the groups gnomAD compares: Middle Eastern, 0.03%; no homozygotes.

Submissions (2):

Labcorp Genetics (formerly Invitae), Labcorp
Classification: Uncertain significance. Last evaluated: 2024-12-12. Review status: criteria provided, single submitter. Criteria: Invitae Variant Classification Sherloc (09022015). Collection method: clinical testing. Allele origin: germline.
Comment: This sequence change replaces alanine, which is neutral and non-polar, with threonine, which is neutral and polar, at codon 1965 of the APC2 protein (p.Ala1965Thr). This variant is not present in population databases (gnomAD no frequency). This variant has not been reported in the literature in individuals affected with APC2-related conditions. ClinVar contains an entry for this variant (Variation ID: 2267503). Invitae Evidence Modeling of protein sequence and biophysical properties (such as structural, functional, and spatial information, amino acid conservation, physicochemical variation, residue mobility, and thermodynamic stability) indicates that this missense variant is not expected to disrupt APC2 protein function with a negative predictive value of 80%. In summary, the available evidence is currently insufficient to determine the role of this variant in disease. Therefore, it has been classified as a Variant of Uncertain Significance.

Ambry Genetics
Classification: Uncertain significance for Inborn genetic diseases. Last evaluated: 2024-07-05. Review status: criteria provided, single submitter. Criteria: Ambry Variant Classification Scheme 2023. Collection method: clinical testing. Allele origin: germline.

NM_005883.3(APC2):c.5893G>A (p.Ala1965Thr)

Gene: APC2 (APC regulator of Wnt signaling pathway 2; plus strand). Cytogenetic location: 19p13.3.
Variant type: single nucleotide variant.
Coding change: c.5893G>A on transcript NM_005883.3 (MANE Select); coding-DNA position 5893, G replaced by A.
Protein change: p.Ala1965Thr; replaces alanine 1965 with threonine.
Molecular consequence: missense variant.
Genome position (GRCh38, 1-based): chr19:1,469,194, G>A. VCF-style: chr19-1469194-G-A. GRCh37 (hg19) VCF-style: chr19-1469193-G-A.
Other names: c.5890G>A, p.Ala1964Thr (NM_001351273.1); short protein forms A1965T, A1964T.
Identifiers: ClinVar variation 2267503 (VCV002267503.5), dbSNP rs1430228687, ClinGen allele CA403042122.
Genomic context (GRCh38, chr19:1,469,194, plus strand): 5'-GCTCGGGCAGTCCCGGAGCCGGGCCCCAGGGGCCGGGCGGGGACCGAGGCGGGCCCGGGG[G>A]CGCGCGGGGGCCGCCTGGGCCTGGTGCGTGTGGCCTCAGCCCTCTCCAGCGGCAGCGAGT-3'
Protein context (NP_005874.1, residues 1955-1975): GRAGTEAGPG[Ala1965Thr]RGGRLGLVRV